The following is an entry in ClinVar:

ClinVar aggregate classification (germline): Uncertain significance. Review status: criteria provided, multiple submitters, no conflicts (2 of 4 stars). 2 submissions from 2 submitters: Uncertain significance (2). Last evaluated 2021-09-17.

Conditions:
Inborn genetic diseases. Identifiers: MedGen C0950123, MeSH D030342.

Allele frequency attached by ClinVar (database versions not stated): gnomAD exomes below 0.00001; gnomAD 0.00001.

Submissions (2):

Ambry Genetics
Classification: Uncertain significance for Inborn genetic diseases. Last evaluated: 2021-09-17. Review status: criteria provided, single submitter. Criteria: Ambry Variant Classification Scheme 2023. Collection method: clinical testing. Allele origin: germline.

GeneDx
Classification: Uncertain significance. Last evaluated: 2021-04-26. Review status: criteria provided, single submitter. Criteria: GeneDx Variant Classification Process June 2021. Collection method: clinical testing. Allele origin: germline. Affected: yes.
Comment: In silico analysis supports that this missense variant has a deleterious effect on protein structure/function; Has not been previously published as pathogenic or benign to our knowledge

NM_005144.5(HR):c.3407T>C (p.Val1136Ala)

Gene: HR (HR lysine demethylase and nuclear receptor corepressor; minus strand). Cytogenetic location: 8p21.3.
Variant type: single nucleotide variant.
Coding change: c.3407T>C on transcript NM_005144.5 (MANE Select); coding-DNA position 3407, T replaced by C.
Protein change: p.Val1136Ala; replaces valine 1136 with alanine.
Molecular consequence: missense variant.
Genome position (GRCh38, 1-based): chr8:22,116,400, A>G on the plus strand (T>C on the coding strand, the complement: HR is on the minus strand). VCF-style: chr8-22116400-A-G. GRCh37 (hg19) VCF-style: chr8-21973913-A-G.
Other names: c.3242T>C, p.Val1081Ala (NM_018411.4); short protein forms V1081A, V1136A.
Identifiers: ClinVar variation 1314724 (VCV001314724.4), dbSNP rs121434448, ClinGen allele CA370514100.